The following is an entry in ClinVar:

ClinVar aggregate classification (germline): Pathogenic. Review status: criteria provided, multiple submitters, no conflicts (2 of 4 stars). 6 submissions from 6 submitters: Pathogenic (4). 2 of the submissions do not count toward it. Last evaluated 2024-06-20.

Conditions:
Hereditary cancer-predisposing syndrome. Also called: Neoplastic Syndromes, Hereditary; Tumor predisposition; Hereditary neoplastic syndrome; Hereditary Cancer Syndrome. Identifiers: Orphanet 140162, MedGen C0027672, MeSH D009386, MONDO:0015356.
Familial cancer of breast. Also called: BREAST CANCER, FAMILIAL; Hereditary breast cancer; hereditary breast carcinoma. Identifiers: Orphanet 227535, MedGen C0346153, MONDO:0016419, OMIM 114480. Disease mechanism: loss of function.
Hereditary breast ovarian cancer syndrome. Also called: Hereditary breast and ovarian cancer syndrome; Hereditary breast and ovarian cancer; Hereditary breast and ovarian cancer syndrome (HBOC); Breast and ovarian cancer; Hereditary breast and/or ovarian cancer syndrome; BRCA1- and BRCA2-Associated Hereditary Breast and Ovarian Cancer. Identifiers: Orphanet 145, MedGen C0677776, MeSH D061325, MONDO:0003582. Disease mechanism: loss of function.

Allele frequency attached by ClinVar (database versions not stated): gnomAD exomes below 0.00001.

Submissions (6):

Ambry Genetics
Classification: Pathogenic for Hereditary cancer-predisposing syndrome. Last evaluated: 2024-06-20. Review status: criteria provided, single submitter. Criteria: Ambry Variant Classification Scheme 2023. Collection method: clinical testing. Allele origin: germline.
Comment: The p.K25* pathogenic mutation (also known as c.73A>T), located in coding exon 2 of the PALB2 gene, results from an A to T substitution at nucleotide position 73. This changes the amino acid from a lysine to a stop codon within coding exon 2. This alteration has been identified in multiple individuals diagnosed with breast cancer (Janatova M et al. Cancer Epidemiol Biomarkers Prev, 2013 Dec;22:2323-32; Tedaldi G et al. Diagnostics (Basel), 2020 Apr;10:; Ng PS et al. J Med Genet, 2022 May;59:481-491). This alteration is expected to result in loss of function by premature protein truncation or nonsense-mediated mRNA decay. As such, this alteration is interpreted as a disease-causing mutation.

Myriad Genetics, Inc.
Classification: Pathogenic for Familial cancer of breast. Last evaluated: 2023-09-05. Review status: criteria provided, single submitter. Criteria: Myriad Autosomal Dominant, Autosomal Recessive and X-Linked Classification Criteria (2023). Collection method: clinical testing. Allele origin: unknown.
Comment: This variant is considered pathogenic. This variant creates a termination codon and is predicted to result in premature protein truncation.

Labcorp Genetics (formerly Invitae), Labcorp
Classification: Pathogenic for Familial cancer of breast. Last evaluated: 2022-05-26. Review status: criteria provided, single submitter. Criteria: Invitae Variant Classification Sherloc (09022015). Collection method: clinical testing. Allele origin: germline.
Comment: ClinVar contains an entry for this variant (Variation ID: 628424). For these reasons, this variant has been classified as Pathogenic. This premature translational stop signal has been observed in individual(s) with breast and bladder cancer (PMID: 24136930). This variant is present in population databases (no rsID available, gnomAD 0.003%). This sequence change creates a premature translational stop signal (p.Lys25*) in the PALB2 gene. It is expected to result in an absent or disrupted protein product. Loss-of-function variants in PALB2 are known to be pathogenic (PMID: 17200668, 17200671, 17200672, 24136930, 25099575).

Color Diagnostics, LLC DBA Color Health
Classification: Pathogenic for Hereditary cancer-predisposing syndrome. Last evaluated: 2020-10-20. Review status: criteria provided, single submitter. Criteria: ACMG Guidelines, 2015. Collection method: clinical testing. Allele origin: germline.
Comment: This variant changes 1 nucleotide in exon 2 of the PALB2 gene, creating a premature translation stop signal. This variant is expected to result in an absent or non-functional protein product. This variant has been reported in an individual affected with breast and bladder cancer in the literature (PMID: 24136930). This variant has been identified in 1/251470 chromosomes in the general population by the Genome Aggregation Database (gnomAD). Loss of PALB2 function is a known mechanism of disease. Based on the available evidence, this variant is classified as Pathogenic.

BRCAlab, Lund University
Classification: Pathogenic for Hereditary breast ovarian cancer syndrome. Last evaluated: 2022-08-26. Review status: no assertion criteria provided. Collection method: clinical testing. Allele origin: germline. Affected: yes. Not counted in ClinVar's aggregate classification.

Leiden Open Variation Database
Classification: Pathogenic for Familial cancer of breast. Last evaluated: 2019-05-13. Review status: no assertion criteria provided. Collection method: curation. Allele origin: germline. Affected: yes. Not counted in ClinVar's aggregate classification.
Comment: Curators: Marc Tischkowitz, Arleen D. Auerbach. Submitter to LOVD: Marc Tischkowitz.

Literature cited by the submitters: PubMed 24136930 (cited by 3 submitters); PubMed 32365798 (cited by Ambry Genetics); PubMed 33811135 (cited by Ambry Genetics); PubMed 17200668 (cited by Labcorp Genetics (formerly Invitae), Labcorp); PubMed 17200671 (cited by Labcorp Genetics (formerly Invitae), Labcorp); PubMed 17200672 (cited by Labcorp Genetics (formerly Invitae), Labcorp); PubMed 25099575 (cited by Labcorp Genetics (formerly Invitae), Labcorp).

NM_024675.4(PALB2):c.73A>T (p.Lys25Ter)

Gene: PALB2 (partner and localizer of BRCA2; minus strand). Cytogenetic location: 16p12.2.
Variant type: single nucleotide variant.
Coding change: c.73A>T on transcript NM_024675.4 (MANE Select); coding-DNA position 73, A replaced by T.
Protein change: p.Lys25Ter; replaces lysine 25 with a stop codon.
Molecular consequence: nonsense.
Genome position (GRCh38, 1-based): chr16:23,638,105, T>A on the plus strand (A>T on the coding strand, the complement: PALB2 is on the minus strand). VCF-style: chr16-23638105-T-A. GRCh37 (hg19) VCF-style: chr16-23649426-T-A.
Other names: short protein forms K25*.
Identifiers: ClinVar variation 628424 (VCV000628424.34), dbSNP rs1248579792, ClinGen allele CA395139806.